The following is an entry in ClinVar:

NM_000448.3(RAG1):c.54del (p.Gln19fs)

Gene: RAG1 (recombination activating 1; plus strand). Cytogenetic location: 11p12.
Variant type: Deletion.
Coding change: c.54del on transcript NM_000448.3 (MANE Select); coding-DNA position 54, one base deleted (T; older notation c.54delT).
Protein change: p.Gln19fs; shifts the reading frame from glutamine 19.
Molecular consequence: frameshift variant.
Genome position (GRCh38, 1-based): chr11:36,573,358, T deleted; the last of 2 consecutive T bases (chr11:36,573,357-36,573,358); deleting either gives the same sequence. VCF-style (leftmost placement, unchanged base first): chr11-36573356-AT-A. GRCh37 (hg19) VCF-style: chr11-36594906-AT-A.
Other names: c.54del, p.Gln19fs (NM_001377277.1, NM_001377278.1, NM_001377279.1 and 1 more transcripts); short protein forms Q19fs.
Identifiers: ClinVar variation 2949875 (VCV002949875.3), dbSNP rs2494749848, ClinGen allele CA2740093697.
Genomic context (GRCh38, chr11:36,573,356, plus strand): 5'-TCAGCCAGCATGGCAGCCTCTTTCCCACCCACCTTGGGACTCAGTTCTGCCCCAGATGAA[AT>A]TCAGCACCCACATATTAAATTTTCAGAATGGAAATTTAAGCTGTTCCGGGTGAGATCCTT-3'

ClinVar aggregate classification (germline): Pathogenic (1 of 4 stars; one submission).

Conditions:
Severe combined immunodeficiency, autosomal recessive, T cell-negative, B cell-negative, NK cell-positive. Also called: SCID, AR, T-cell negative, B-cell negative, NK cell-positive; SCID, T CELL-NEGATIVE, B CELL-NEGATIVE, NK CELL-POSITIVE; Severe combined immunodeficiency due to complete RAG1/2 deficiency. Identifiers: Orphanet 331206, MedGen C1832322, MONDO:0011086, OMIM 601457.
Combined immunodeficiency with skin granulomas. Identifiers: Orphanet 157949, MedGen C2673536, MONDO:0009306, OMIM 233650.

Submission:

Labcorp Genetics (formerly Invitae), Labcorp
Classification: Pathogenic for Combined immunodeficiency with skin granulomas; Severe combined immunodeficiency, autosomal recessive, T cell-negative, B cell-negative, NK cell-positive. Last evaluated: 2023-07-15. Review status: criteria provided, single submitter. Criteria: Invitae Variant Classification Sherloc (09022015). Collection method: clinical testing. Allele origin: germline.
Comment: For these reasons, this variant has been classified as Pathogenic. This variant disrupts a region of the RAG1 protein in which other variant(s) (p.Ser961Metfs*14) have been determined to be pathogenic (Invitae). This suggests that this is a clinically significant region of the protein, and that variants that disrupt it are likely to be disease-causing. This variant has not been reported in the literature in individuals affected with RAG1-related conditions. This variant is not present in population databases (gnomAD no frequency). This sequence change creates a premature translational stop signal (p.Gln19Serfs*17) in the RAG1 gene. While this is not anticipated to result in nonsense mediated decay, it is expected to disrupt the last 1025 amino acid(s) of the RAG1 protein.